The following is an entry in ClinVar:

ClinVar aggregate classification (germline): Likely benign (1 of 4 stars; one submission).

Submission:

GeneDx
Classification: Likely benign. Last evaluated: 2021-05-17. Review status: criteria provided, single submitter. Criteria: GeneDx Variant Classification Process June 2021. Collection method: clinical testing. Allele origin: germline. Affected: yes.
Comment: See Variant Classification Assertion Criteria.

NM_001015880.2(PAPSS2):c.*147dup

Gene: PAPSS2 (3'-phosphoadenosine 5'-phosphosulfate synthase 2; plus strand). Cytogenetic location: 10q23.31.
Variant type: Duplication.
Coding change: c.*147dup on transcript NM_001015880.2 (MANE Select); 147 bases downstream of the stop codon, one base duplicated (A; older notation c.*147dupA).
Molecular consequence: 3 prime UTR variant.
Genome position (GRCh38, 1-based): chr10:87,746,117, A duplicated; the last of 9 consecutive A bases (chr10:87,746,109-87,746,117); duplicating any one gives the same sequence. VCF-style (leftmost placement, unchanged base first): chr10-87746108-T-TA. GRCh37 (hg19) VCF-style: chr10-89505865-T-TA.
Other names: c.*147dup (NM_004670.4).
Identifiers: ClinVar variation 4813956 (VCV004813956.1).
Genomic context (GRCh38, chr10:87,746,108, plus strand): 5'-AATTGCTTCTCAATGATGCATTTTAATCTTTTATAATGAAGTAAAAGTTGTGTCTATAAT[T>TA]AAAAAAAAATATATATATATACACACACACATATACATACAAAGTCAAACTGAAGACCAA-3'